The following is an entry in ClinVar:

ClinVar aggregate classification (germline): Uncertain significance (1 of 4 stars; one submission).

Conditions:
Cardiomyopathy (CMYO). Also called: Cardiomyopathies. Identifiers: Orphanet 167848, MedGen C0878544, MONDO:0004994, HP:0001638. Inheritance: Various modes of inheritance.

Submission:

Color Diagnostics, LLC DBA Color Health
Classification: Uncertain significance for Cardiomyopathy. Last evaluated: 2023-12-04. Review status: criteria provided, single submitter. Criteria: ACMG Guidelines, 2015. Collection method: clinical testing. Allele origin: germline.
Comment: Variant of Uncertain Significance due to insufficient evidence: This missense variant replaces valine with methionine at codon 75 of the TNNT2 protein. Computational prediction tools and conservation analyses are inconclusive regarding the impact of this variant on the protein function. Computational splicing tools suggest that this variant may not impact RNA splicing. To our knowledge, functional assays have not been performed for this variant nor has this variant been reported in individuals affected with cardiovascular disorders in the literature. This variant is rare in the general population and has been identified in 0/277264 chromosomes by the Genome Aggregation Database (gnomAD). Available evidence is insufficient to determine the pathogenicity of this variant conclusively.

NM_001276345.2(TNNT2):c.253G>A (p.Val85Met)

Gene: TNNT2 (troponin T2, cardiac type; minus strand). Cytogenetic location: 1q32.1.
Variant type: single nucleotide variant.
Coding change: c.253G>A on transcript NM_001276345.2 (MANE Select); coding-DNA position 253, G replaced by A.
Protein change: p.Val85Met; replaces valine 85 with methionine.
Molecular consequence: missense variant.
Genome position (GRCh38, 1-based): chr1:201,365,651, C>T on the plus strand (G>A on the coding strand, the complement: TNNT2 is on the minus strand). VCF-style: chr1-201365651-C-T. GRCh37 (hg19) VCF-style: chr1-201334779-C-T.
Other names: c.253G>A, p.Val85Met (NM_000364.4); c.223G>A, p.Val75Met (NM_001001430.3, NM_001001431.3, NM_001276347.2); c.208G>A, p.Val70Met (NM_001001432.3); c.250G>A, p.Val84Met (NM_001276346.2); short protein forms V70M, V84M, V75M, V85M.
Identifiers: ClinVar variation 923686 (VCV000923686.5), dbSNP rs1659529300, ClinGen allele CA344206708.